The following is an entry in ClinVar:

NM_016938.5(EFEMP2):c.7C>A (p.Pro3Thr)

Gene: EFEMP2 (EGF-like fibulin extracellular matrix protein 2; minus strand). Cytogenetic location: 11q13.1.
Variant type: single nucleotide variant.
Coding change: c.7C>A on transcript NM_016938.5 (MANE Select); coding-DNA position 7, C replaced by A.
Protein change: p.Pro3Thr; replaces proline 3 with threonine.
Molecular consequence: missense variant. On other transcripts: non-coding transcript variant (1).
Genome position (GRCh38, 1-based): chr11:65,872,348, G>T on the plus strand (C>A on the coding strand, the complement: EFEMP2 is on the minus strand). VCF-style: chr11-65872348-G-T. GRCh37 (hg19) VCF-style: chr11-65639819-G-T.
Other names: short protein forms P3T.
Identifiers: ClinVar variation 1019120 (VCV001019120.6), dbSNP rs1436359315, ClinGen allele CA381311853.

ClinVar aggregate classification (germline): Uncertain significance (1 of 4 stars; one submission).

Conditions:
Cutis laxa, autosomal recessive, type 1B (ARCL1B). Also called: EFEMP2-Related Cutis Laxa; CUTIS LAXA, AUTOSOMAL RECESSIVE, TYPE IB. Identifiers: Orphanet 90349, MedGen C3280798, MONDO:0013754, OMIM 614437. Disease mechanism: loss of function.

gnomAD v4.1: 2 of 1,550,334 alleles (0.00013%); highest among the groups gnomAD compares: Non-Finnish European, 0.00017%; no homozygotes.

Submission:

Labcorp Genetics (formerly Invitae), Labcorp
Classification: Uncertain significance for Cutis laxa, autosomal recessive, type 1B. Last evaluated: 2020-02-27. Review status: criteria provided, single submitter. Criteria: Invitae Variant Classification Sherloc (09022015). Collection method: clinical testing. Allele origin: germline.
Comment: In summary, the available evidence is currently insufficient to determine the role of this variant in disease. Therefore, it has been classified as a Variant of Uncertain Significance. Algorithms developed to predict the effect of missense changes on protein structure and function are either unavailable or do not agree on the potential impact of this missense change (SIFT: "Deleterious"; PolyPhen-2: "Possibly Damaging"; Align-GVGD: "Class C0"). This variant has not been reported in the literature in individuals with EFEMP2-related conditions. This variant is not present in population databases (ExAC no frequency). This sequence change replaces proline with threonine at codon 3 of the EFEMP2 protein (p.Pro3Thr). The proline residue is highly conserved and there is a small physicochemical difference between proline and threonine.